The following is an entry in ClinVar:

ClinVar aggregate classification (germline): Uncertain significance (1 of 4 stars; one submission).

Conditions:
Tuberous sclerosis 1 (TSC1). Identifiers: Orphanet 805, MedGen C1854465, MONDO:0008612, OMIM 191100.

Submission:

Labcorp Genetics (formerly Invitae), Labcorp
Classification: Uncertain significance for Tuberous sclerosis 1. Last evaluated: 2021-05-10. Review status: criteria provided, single submitter. Criteria: Invitae Variant Classification Sherloc (09022015). Collection method: clinical testing. Allele origin: germline.
Comment: In summary, the available evidence is currently insufficient to determine the role of this variant in disease. Therefore, it has been classified as a Variant of Uncertain Significance. This sequence change replaces glutamine with leucine at codon 797 of the TSC1 protein (p.Gln797Leu). The glutamine residue is moderately conserved and there is a moderate physicochemical difference between glutamine and leucine. This variant is not present in population databases (ExAC no frequency). This variant has not been reported in the literature in individuals with TSC1-related conditions. Algorithms developed to predict the effect of missense changes on protein structure and function are either unavailable or do not agree on the potential impact of this missense change (SIFT: "Deleterious"; PolyPhen-2: "Benign"; Align-GVGD: "Class C0"). Algorithms developed to predict the effect of sequence changes on RNA splicing suggest that this variant may disrupt the consensus splice site, but this prediction has not been confirmed by published transcriptional studies.

NM_000368.5(TSC1):c.2390A>T (p.Gln797Leu)

Gene: TSC1 (TSC complex subunit 1; minus strand). Cytogenetic location: 9q34.13.
Variant type: single nucleotide variant.
Coding change: c.2390A>T on transcript NM_000368.5 (MANE Select); coding-DNA position 2390, A replaced by T.
Protein change: p.Gln797Leu; replaces glutamine 797 with leucine.
Molecular consequence: missense variant.
Genome position (GRCh38, 1-based): chr9:132,902,606, T>A on the plus strand (A>T on the coding strand, the complement: TSC1 is on the minus strand). VCF-style: chr9-132902606-T-A. GRCh37 (hg19) VCF-style: chr9-135777993-T-A.
Other names: c.2387A>T, p.Gln796Leu (NM_001162426.2); c.2237A>T, p.Gln746Leu (NM_001162427.2); c.2027A>T, p.Gln676Leu (NM_001362177.2); short protein forms Q796L, Q797L, Q676L, Q746L.
Identifiers: ClinVar variation 1393288 (VCV001393288.8), dbSNP rs2131727903, ClinGen allele CA375358985.